The following is an entry in ClinVar:

ClinVar aggregate classification (germline): Uncertain significance (1 of 4 stars; one submission).

Conditions:
Benign neonatal seizures. Also called: Convulsions benign familial neonatal dominant form; Autosomal dominant form of benign neonatal seizures; Benign familial neonatal seizures; Benign familial neonatal epilepsy; Benign neonatal familial convulsions. Identifiers: Orphanet 1949, MedGen C0220669, MONDO:0016027.

Allele frequency attached by ClinVar (database versions not stated): gnomAD exomes below 0.00001.
gnomAD v4.1: 1 of 1,609,662 alleles (0.000062%); highest among the groups gnomAD compares: Non-Finnish European, 0.000085%; no homozygotes.

Submission:

Labcorp Genetics (formerly Invitae), Labcorp
Classification: Uncertain significance for Benign neonatal seizures. Last evaluated: 2021-02-02. Review status: criteria provided, single submitter. Criteria: Invitae Variant Classification Sherloc (09022015). Collection method: clinical testing. Allele origin: germline.
Comment: In summary, the available evidence is currently insufficient to determine the role of this variant in disease. Therefore, it has been classified as a Variant of Uncertain Significance. Algorithms developed to predict the effect of missense changes on protein structure and function are either unavailable or do not agree on the potential impact of this missense change (SIFT: "Tolerated"; PolyPhen-2: "Probably Damaging"; Align-GVGD: "Class C0"). This variant has not been reported in the literature in individuals with KCNQ3-related conditions. This variant is not present in population databases (ExAC no frequency). This sequence change replaces methionine with valine at codon 570 of the KCNQ3 protein (p.Met570Val). The methionine residue is highly conserved and there is a small physicochemical difference between methionine and valine.

NM_004519.4(KCNQ3):c.1708A>G (p.Met570Val)

Gene: KCNQ3 (potassium voltage-gated channel subfamily Q member 3; minus strand). Cytogenetic location: 8q24.22.
Variant type: single nucleotide variant.
Coding change: c.1708A>G on transcript NM_004519.4 (MANE Select); coding-DNA position 1708, A replaced by G.
Protein change: p.Met570Val; replaces methionine 570 with valine.
Molecular consequence: missense variant.
Genome position (GRCh38, 1-based): chr8:132,134,381, T>C on the plus strand (A>G on the coding strand, the complement: KCNQ3 is on the minus strand). VCF-style: chr8-132134381-T-C. GRCh37 (hg19) VCF-style: chr8-133146628-T-C.
Other names: c.1348A>G, p.Met450Val (NM_001204824.2); short protein forms M570V, M450V.
Identifiers: ClinVar variation 1506960 (VCV001506960.8), dbSNP rs2130931710, ClinGen allele CA372218682.